The following is an entry in ClinVar:

NM_000179.3(MSH6):c.166G>C (p.Gly56Arg)

Gene: MSH6 (mutS homolog 6; plus strand). Cytogenetic location: 2p16.3.
Variant type: single nucleotide variant.
Coding change: c.166G>C on transcript NM_000179.3 (MANE Select); coding-DNA position 166, G replaced by C.
Protein change: p.Gly56Arg; replaces glycine 56 with arginine.
Molecular consequence: missense variant. On other transcripts: 5 prime UTR variant (1).
Genome position (GRCh38, 1-based): chr2:47,783,399, G>C. VCF-style: chr2-47783399-G-C. GRCh37 (hg19) VCF-style: chr2-48010538-G-C.
Other names: c.166G>C, p.Gly56Arg (NM_001281492.2); c.-571G>C (NM_001281493.2); short protein forms G56R.
Identifiers: ClinVar variation 819787 (VCV000819787.4), dbSNP rs1254951576, ClinGen allele CA346734982.

ClinVar aggregate classification (germline): Uncertain significance (1 of 4 stars; one submission).

Conditions:
Hereditary cancer-predisposing syndrome. Also called: Neoplastic Syndromes, Hereditary; Tumor predisposition; Hereditary Cancer Syndrome; Hereditary neoplastic syndrome. Identifiers: Orphanet 140162, MedGen C0027672, MeSH D009386, MONDO:0015356.

gnomAD v4.1: 1 of 1,568,194 alleles (0.000064%); highest among the groups gnomAD compares: Non-Finnish European, 0.000086%; no homozygotes.

Submission:

Ambry Genetics
Classification: Uncertain significance for Hereditary cancer-predisposing syndrome. Last evaluated: 2019-02-18. Review status: criteria provided, single submitter. Criteria: Ambry Variant Classification Scheme 2023. Collection method: clinical testing. Allele origin: germline.
Comment: The p.G56R variant (also known as c.166G>C), located in coding exon 1 of the MSH6 gene, results from a G to C substitution at nucleotide position 166. The glycine at codon 56 is replaced by arginine, an amino acid with dissimilar properties. This amino acid position is well conserved in available vertebrate species. In addition, this alteration is predicted to be tolerated by in silico analysis. In addition, the CoDP in silico tool predicts this alteration to have minor impact on molecular function, with a score of 0.009 (Terui H et al. J. Biomed. Sci. 2013 Apr;20:25). Since supporting evidence is limited at this time, the clinical significance of this alteration remains unclear